The following is an entry in ClinVar:

NM_152281.3(GORAB):c.868G>A (p.Glu290Lys)

Gene: GORAB (golgin, RAB6 interacting; plus strand). Cytogenetic location: 1q24.2.
Variant type: single nucleotide variant.
Coding change: c.868G>A on transcript NM_152281.3 (MANE Select); coding-DNA position 868, G replaced by A.
Protein change: p.Glu290Lys; replaces glutamic acid 290 with lysine.
Molecular consequence: missense variant. On other transcripts: non-coding transcript variant (1).
Genome position (GRCh38, 1-based): chr1:170,552,220, G>A. VCF-style: chr1-170552220-G-A. GRCh37 (hg19) VCF-style: chr1-170521361-G-A.
Other names: c.403G>A, p.Glu135Lys (NM_001320252.2); c.943G>A (NM_152281.2); short protein forms E135K, E290K.
Identifiers: ClinVar variation 1391742 (VCV001391742.7), dbSNP rs541180988, ClinGen allele CA32479962.

ClinVar aggregate classification (germline): Uncertain significance. Review status: criteria provided, multiple submitters, no conflicts (2 of 4 stars). 3 submissions from 3 submitters: Uncertain significance (3). Last evaluated 2024-10-10.

Conditions:
Geroderma osteodysplastica (GO). Also called: WALT DISNEY DWARFISM; Geroderma osteodysplasticum. Identifiers: Orphanet 2078, MedGen C0432255, MONDO:0009271, OMIM 231070.
Inborn genetic diseases. Identifiers: MedGen C0950123, MeSH D030342.

Allele frequency attached by ClinVar (database versions not stated): gnomAD 0.00004; gnomAD exomes 0.00001 and 0.00003; TOPMed 0.00004.

Submissions (3):

Labcorp Genetics (formerly Invitae), Labcorp
Classification: Uncertain significance. Last evaluated: 2024-10-10. Review status: criteria provided, single submitter. Criteria: Invitae Variant Classification Sherloc (09022015). Collection method: clinical testing. Allele origin: germline.
Comment: This sequence change replaces glutamic acid, which is acidic and polar, with lysine, which is basic and polar, at codon 315 of the GORAB protein (p.Glu315Lys). This variant is present in population databases (rs541180988, gnomAD 0.004%). This variant has not been reported in the literature in individuals affected with GORAB-related conditions. ClinVar contains an entry for this variant (Variation ID: 1391742). An algorithm developed to predict the effect of missense changes on protein structure and function (PolyPhen-2) suggests that this variant is likely to be disruptive. In summary, the available evidence is currently insufficient to determine the role of this variant in disease. Therefore, it has been classified as a Variant of Uncertain Significance.

Genome-Nilou Lab
Classification: Uncertain significance for Geroderma osteodysplastica. Last evaluated: 2023-04-11. Review status: criteria provided, single submitter. Criteria: ACMG Guidelines, 2015. Collection method: clinical testing. Allele origin: germline. Affected: no.

Ambry Genetics
Classification: Uncertain significance for Inborn genetic diseases. Last evaluated: 2021-09-01. Review status: criteria provided, single submitter. Criteria: Ambry Variant Classification Scheme 2023. Collection method: clinical testing. Allele origin: germline.